The following is an entry in ClinVar:

NM_000179.3(MSH6):c.3173-1_3173del

Gene: MSH6 (mutS homolog 6; plus strand). Cytogenetic location: 2p16.3.
Variant type: Deletion.
Coding change: c.3173-1_3173del on transcript NM_000179.3 (MANE Select); the canonical splice acceptor site of the intron before coding-DNA position 3173 through coding-DNA position 3173, 2 bases deleted (GA; older notation c.3173-1_3173delGA).
Molecular consequence: splice acceptor variant.
Genome position (GRCh38, 1-based): chr2:47,803,419-47,803,420, GA deleted; deleting any 2 consecutive bases within chr2:47,803,418-47,803,420 gives the same sequence; the c. name uses the placement nearest the transcript's 3' end. VCF-style (leftmost placement, unchanged base first): chr2-47803417-CAG-C. GRCh37 (hg19) VCF-style: chr2-48030556-CAG-C.
Other names: c.2267-1_2267del (NM_001281493.2, NM_001281494.2); c.2783-1_2783del (NM_001281492.2); c.3173-1_3173delGA (NM_000179.2).
Identifiers: ClinVar variation 89347 (VCV000089347.20), dbSNP rs587779256, ClinGen allele CA330500.
Genomic context (GRCh38, chr2:47,803,417, plus strand): 5'-AAACACTTAGGCTGATAAAACCCCCAAACGATGAAGCCTCACTTTTACCCTCTCTTTTAA[CAG>C]ATGTTTTACTGTGCCTGGCTAACTATAGTCGAGGGGGTGATGGTCCTATGTGTCGCCCAG-3'

ClinVar aggregate classification (germline): Pathogenic. Review status: reviewed by expert panel (3 of 4 stars). 7 submissions from 7 submitters: Pathogenic (1). 6 of the submissions do not count toward it. Last evaluated 2013-09-05.

Conditions:
Lynch syndrome. Identifiers: Orphanet 144, MedGen C4552100, MONDO:0005835. Disease mechanism: loss of function.
Hereditary cancer-predisposing syndrome. Also called: Tumor predisposition; Hereditary Cancer Syndrome; Hereditary neoplastic syndrome; Neoplastic Syndromes, Hereditary. Identifiers: Orphanet 140162, MedGen C0027672, MeSH D009386, MONDO:0015356.
Hereditary nonpolyposis colorectal neoplasms. Identifiers: MedGen C0009405, MeSH D003123.
Lynch syndrome 5 (LYNCH5). Also called: Colorectal cancer, hereditary nonpolyposis, type 5; Hereditary non-polyposis colorectal cancer, type 5. Identifiers: Orphanet 144, MedGen C1833477, MONDO:0013710, OMIM 614350. Disease mechanism: loss of function.
Endometrial carcinoma. Also called: Endometrial carcinoma, somatic. Identifiers: MedGen C0476089, MONDO:0002447, OMIM 608089, HP:0012114.

Submissions (7):

International Society for Gastrointestinal Hereditary Tumours (InSiGHT)
Classification: Pathogenic for Lynch Syndrome. Last evaluated: 2013-09-05. Review status: reviewed by expert panel. Criteria: Guidelines v1.9. Collection method: research. Allele origin: germline.
Comment: Coding sequence variation resulting in a stop codon (also interrupts canonical acceptor splice site)

Classified with v1.9 guidelines

Labcorp Genetics (formerly Invitae), Labcorp
Classification: Likely pathogenic for Hereditary nonpolyposis colorectal neoplasms. Last evaluated: 2025-02-18. Review status: criteria provided, single submitter. Criteria: Invitae Variant Classification Sherloc (09022015). Collection method: clinical testing. Allele origin: germline. Not counted in ClinVar's aggregate classification.
Comment: This sequence change affects a splice site in intron 4 of the MSH6 gene. It is expected to disrupt RNA splicing. Variants that disrupt the donor or acceptor splice site typically lead to a loss of protein function (PMID: 16199547), and loss-of-function variants in MSH6 are known to be pathogenic (PMID: 18269114, 24362816). This variant is not present in population databases (gnomAD no frequency). Disruption of this splice site has been observed in individual(s) with neuroblastoma (PMID: 34343771). ClinVar contains an entry for this variant (Variation ID: 89347). Algorithms developed to predict the effect of sequence changes on RNA splicing suggest that this variant may disrupt the consensus splice site. In summary, the currently available evidence indicates that the variant is pathogenic, but additional data are needed to prove that conclusively. Therefore, this variant has been classified as Likely Pathogenic.

Ambry Genetics
Classification: Pathogenic for Hereditary cancer-predisposing syndrome. Last evaluated: 2025-01-11. Review status: criteria provided, single submitter. Criteria: Ambry Variant Classification Scheme 2023. Collection method: clinical testing. Allele origin: germline. Not counted in ClinVar's aggregate classification.
Comment: The c.3173-1_3173delGA pathogenic mutation spans the exon/intron boundary of coding exon 5 in the MSH6 gene. This variant results from the deletion of 2 nucleotides at positions c.3173-1 to c.3173. This variant has also been identified in probands who met Amsterdam II criteria for Lynch syndrome and/or tumor demonstrated loss of MSH6 expression by immunohistochemistry (Li S et al. J. Med. Genet. 2020 Jan;57:62-69; Ambry internal data). The nucleotide region encompassed by the deletion includes the canonical acceptor site, which is highly conserved in available vertebrate species. In silico splice site analysis predicts that this alteration will weaken the native splice acceptor site; however, direct evidence is insufficient at this time (Ambry internal data). Alterations that disrupt the canonical splice site are expected to cause aberrant splicing, resulting in an abnormal protein or a transcript that is subject to nonsense-mediated mRNA decay. As such, this alteration is classified as a disease-causing mutation.

Institute of Medical Genetics and Applied Genomics, University Hospital Tübingen
Classification: Pathogenic for Endometrial carcinoma. Last evaluated: 2024-08-07. Review status: criteria provided, single submitter. Criteria: ACMG Guidelines, 2015. Collection method: clinical testing. Allele origin: germline. Inheritance: Autosomal dominant inheritance. Affected: yes. Not counted in ClinVar's aggregate classification.

Myriad Genetics, Inc.
Classification: Likely pathogenic for Lynch syndrome 5. Last evaluated: 2023-08-22. Review status: criteria provided, single submitter. Criteria: Myriad Autosomal Dominant, Autosomal Recessive and X-Linked Classification Criteria (2023). Collection method: clinical testing. Allele origin: unknown. Not counted in ClinVar's aggregate classification.
Comment: This variant is considered likely pathogenic. This variant occurs within a consensus splice junction and is predicted to result in abnormal mRNA splicing of either an out-of-frame exon or an in-frame exon necessary for protein stability and/or normal function.

Baylor Genetics
Classification: Likely pathogenic for Endometrial carcinoma. Last evaluated: 2022-11-23. Review status: criteria provided, single submitter. Criteria: ACMG Guidelines, 2015. Collection method: clinical testing. Allele origin: unknown. Not counted in ClinVar's aggregate classification.

Quest Diagnostics Nichols Institute San Juan Capistrano
Classification: Pathogenic. Last evaluated: 2019-06-07. Review status: criteria provided, single submitter. Criteria: Quest Diagnostics criteria. Collection method: clinical testing. Allele origin: germline. Not counted in ClinVar's aggregate classification.
Comment: The variant disrupts a canonical splice site, and is therefore predicted to result in the loss of a functional protein. Found in at least one symptomatic patient, and not found in general population data.

Literature cited by the submitters: PubMed 16199547 (cited by Labcorp Genetics (formerly Invitae), Labcorp); PubMed 18269114 (cited by Labcorp Genetics (formerly Invitae), Labcorp); PubMed 24362816 (cited by Labcorp Genetics (formerly Invitae), Labcorp); PubMed 34343771 (cited by Labcorp Genetics (formerly Invitae), Labcorp and Ambry Genetics).